The following is an entry in ClinVar:

NM_001267550.2(TTN):c.70677T>C (p.Asp23559=)

Genes: TTN (titin; minus strand), TTN-AS1 (TTN antisense RNA 1; plus strand). Cytogenetic location: 2q31.2.
Variant type: single nucleotide variant.
Coding change: c.70677T>C on transcript NM_001267550.2 (MANE Select); coding-DNA position 70677, T replaced by C.
Protein change: p.Asp23559=; no amino-acid change (aspartic acid 23559 retained).
Molecular consequence: synonymous variant.
Genome position (GRCh38, 1-based): chr2:178,575,455, A>G on the plus strand (T>C on the coding strand, the complement: TTN is on the minus strand). VCF-style: chr2-178575455-A-G. GRCh37 (hg19) VCF-style: chr2-179440182-A-G.
Other names: p.D20991D:GAT>GAC; p.Asp21918=; c.65754T>C, p.Asp21918= (NM_001256850.1); c.43482T>C, p.Asp14494= (NM_003319.4); c.62973T>C, p.Asp20991= (NM_133378.4); c.43857T>C, p.Asp14619= (NM_133432.3); c.44058T>C, p.Asp14686= (NM_133437.4).
Identifiers: ClinVar variation 47289 (VCV000047289.84), dbSNP rs72646890, ClinGen allele CA283682.

ClinVar aggregate classification (germline): Conflicting classifications of pathogenicity. Review status: criteria provided, conflicting classifications (1 of 4 stars). 24 submissions from 20 submitters: Uncertain significance (3); Benign (10); Likely benign (4). 7 of the submissions do not count toward it. Last evaluated 2026-09-01.

Conditions:
Cardiovascular phenotype. Identifiers: MedGen CN230736.
Dilated cardiomyopathy 1G (CMD1G). Identifiers: Orphanet 154, MedGen C1858763, MONDO:0011400, OMIM 604145.
Autosomal recessive limb-girdle muscular dystrophy type 2J (LGMDR10). Also called: MUSCULAR DYSTROPHY, LIMB-GIRDLE, AUTOSOMAL RECESSIVE 10; Limb-girdle muscular dystrophy, type 2J. Identifiers: Orphanet 140922, MedGen C1837342, MONDO:0012127, OMIM 608807.
TTN-related disorder. Also called: TTN-related disorders; TTN-related condition; TTN-related disease.
Cardiomyopathy (CMYO). Also called: Cardiomyopathies. Identifiers: Orphanet 167848, MedGen C0878544, MONDO:0004994, HP:0001638. Inheritance: Various modes of inheritance.
Early-onset myopathy with fatal cardiomyopathy (CMYO5). Also called: CONGENITAL MYOPATHY 5 WITH CARDIOMYOPATHY; Salih Myopathy. Identifiers: Orphanet 289377, MedGen C2673677, MONDO:0012714, OMIM 611705. Disease mechanism: loss of function.
Myopathy, myofibrillar, 9, with early respiratory failure (MFM9). Also called: Myopathy, distal, with early respiratory failure, autosomal dominant; Hereditary myopathy with early respiratory failure; MYOPATHY, PROXIMAL, WITH EARLY RESPIRATORY MUSCLE INVOLVEMENT; EDSTROM MYOPATHY. Identifiers: Orphanet 178464, Orphanet 34521, MedGen C1863599, MONDO:0011362, OMIM 603689.
Tibial muscular dystrophy (TMD). Also called: Udd Distal Myopathy – Tibial Muscular Dystrophy; Tibial muscular dystrophy, tardive; UDD MYOPATHY. Identifiers: Orphanet 609, MedGen C1838244, MONDO:0010870, OMIM 600334.

Allele frequency attached by ClinVar (database versions not stated): 1000 Genomes Project 30x 0.00047; ExAC 0.00278; ESP Exome Variant Server 0.00375; TOPMed 0.00233; gnomAD exomes 0.00391 and 0.00244; 1000 Genomes Project 0.00060; gnomAD 0.00253 and 0.00258.
gnomAD v4.1: 6,104 of 1,613,530 alleles (0.38%); highest among the groups gnomAD compares: Non-Finnish European, 0.47%; 19 homozygotes.

Submissions (24):

CeGaT Center for Human Genetics Tuebingen
Classification: Likely benign. Last evaluated: 2026-09-01. Review status: criteria provided, single submitter. Criteria: CeGaT Center For Human Genetics Tuebingen Variant Classification Criteria Version 2. Collection method: clinical testing. Allele origin: germline. Affected: yes. Observed: 39 variant alleles.
Comment: TTN: BP4, BP7, BS2

Labcorp Genetics (formerly Invitae), Labcorp
Classification: Benign for Dilated cardiomyopathy 1G; Autosomal recessive limb-girdle muscular dystrophy type 2J. Last evaluated: 2026-02-03. Review status: criteria provided, single submitter. Criteria: Invitae Variant Classification Sherloc (09022015). Collection method: clinical testing. Allele origin: germline.

Molecular Diagnostic Laboratory for Inherited Cardiovascular Disease, Montreal Heart Institute
Classification: Benign. Last evaluated: 2025-04-09. Review status: criteria provided, single submitter. Criteria: ACMG Guidelines, 2015. Collection method: clinical testing. Allele origin: germline. Affected: no.

ARUP Laboratories, Molecular Genetics and Genomics, ARUP Laboratories
Classification: Likely benign. Last evaluated: 2025-03-11. Review status: criteria provided, single submitter. Criteria: ARUP Molecular Germline Variant Investigation Process 2024. Collection method: clinical testing. Allele origin: germline.

Blueprint Genetics
Classification: Likely benign. Last evaluated: 2024-11-25. Review status: criteria provided, single submitter. Criteria: ACMG Guidelines, 2015. Collection method: clinical testing. Allele origin: germline.

Women's Health and Genetics/Laboratory Corporation of America, LabCorp
Classification: Benign. Last evaluated: 2023-05-01. Review status: criteria provided, single submitter. Criteria: LabCorp Variant Classification Summary - May 2015. Collection method: clinical testing. Allele origin: germline.

Illumina Laboratory Services, Illumina
Classification: Benign for Myopathy, myofibrillar, 9, with early respiratory failure. Last evaluated: 2018-01-12. Review status: criteria provided, single submitter. Criteria: ICSL Variant Classification Criteria 13 December 2019. Collection method: clinical testing. Allele origin: germline.
Comment: This variant was observed in the ICSL laboratory as part of a predisposition screen in an ostensibly healthy population. It had not been previously curated by ICSL or reported in the Human Gene Mutation Database (HGMD: prior to June 1st, 2018), and was therefore a candidate for classification through an automated scoring system. Utilizing variant allele frequency, disease prevalence and penetrance estimates, and inheritance mode, an automated score was calculated to assess if this variant is too frequent to cause the disease. Based on the score and internal cut-off values, a variant classified as benign is not then subjected to further curation. The score for this variant resulted in a classification of benign for this disease.

Illumina Laboratory Services, Illumina
Classification: Benign for Tibial muscular dystrophy. Last evaluated: 2018-01-12. Review status: criteria provided, single submitter. Criteria: ICSL Variant Classification Criteria 13 December 2019. Collection method: clinical testing. Allele origin: germline.
Comment: the same text as in the submission from Illumina Laboratory Services, Illumina above.

Illumina Laboratory Services, Illumina
Classification: Uncertain significance for Dilated cardiomyopathy 1G. Last evaluated: 2018-01-12. Review status: criteria provided, single submitter. Criteria: ICSL Variant Classification Criteria 13 December 2019. Collection method: clinical testing. Allele origin: germline.

Illumina Laboratory Services, Illumina
Classification: Uncertain significance for Autosomal recessive limb-girdle muscular dystrophy type 2J. Last evaluated: 2018-01-12. Review status: criteria provided, single submitter. Criteria: ICSL Variant Classification Criteria 13 December 2019. Collection method: clinical testing. Allele origin: germline.

Illumina Laboratory Services, Illumina
Classification: Uncertain significance for Early-onset myopathy with fatal cardiomyopathy. Last evaluated: 2018-01-12. Review status: criteria provided, single submitter. Criteria: ICSL Variant Classification Criteria 13 December 2019. Collection method: clinical testing. Allele origin: germline.

Mayo Clinic Laboratories, Mayo Clinic
Classification: Benign. Last evaluated: 2016-10-27. Review status: criteria provided, single submitter. Criteria: ACMG Guidelines, 2015. Collection method: clinical testing. Allele origin: germline. Observed: 11 variant alleles.

Eurofins Ntd Llc (ga)
Classification: Benign. Last evaluated: 2016-06-14. Review status: criteria provided, single submitter. Criteria: EGL Classification Definitions 2015. Collection method: clinical testing. Allele origin: germline. Observed: 4 variant alleles, 4 heterozygotes.

CHEO Genetics Diagnostic Laboratory, Children's Hospital of Eastern Ontario
Classification: Benign for Cardiomyopathy. Last evaluated: 2016-04-26. Review status: criteria provided, single submitter. Criteria: ACMG Guidelines, 2015. Collection method: clinical testing. Allele origin: germline. Study: Canadian Open Genetics Repository.

Ambry Genetics
Classification: Likely benign for Cardiovascular phenotype. Last evaluated: 2015-09-16. Review status: criteria provided, single submitter. Criteria: Ambry Variant Classification Scheme 2023. Collection method: clinical testing. Allele origin: germline.

GeneDx
Classification: Benign. Last evaluated: 2013-09-18. Review status: criteria provided, single submitter. Criteria: GeneDx Variant Classification (06012015). Collection method: clinical testing. Allele origin: germline. Affected: yes.
Comment: This variant is considered likely benign or benign based on one or more of the following criteria: it is a conservative change, it occurs at a poorly conserved position in the protein, it is predicted to be benign by multiple in silico algorithms, and/or has population frequency not consistent with disease.

Laboratory for Molecular Medicine, Mass General Brigham Personalized Medicine
Classification: Benign. Last evaluated: 2012-02-14. Review status: criteria provided, single submitter. Criteria: LMM Criteria. Collection method: clinical testing. Allele origin: germline. Observed: 10 variant alleles.
Comment: Asp20991Asp in exon 275 of TTN: This variant is not expected to have clinical si gnificance because it has been identified in 0.5% (32/6848) of European American chromosomes from a broad population by the NHLBI Exome Sequencing Project (dbSNP rs72646890).

PreventionGenetics, part of Exact Sciences
Classification: Likely benign for TTN-related condition. Last evaluated: 2019-04-04. Review status: no assertion criteria provided. Collection method: clinical testing. Allele origin: germline. Not counted in ClinVar's aggregate classification.
Comment: This variant is classified as likely benign based on ACMG/AMP sequence variant interpretation guidelines (Richards et al. 2015 PMID: 25741868, with internal and published modifications).

Clinical Genetics DNA and cytogenetics Diagnostics Lab, Erasmus MC, Erasmus Medical Center
Classification: Likely benign. Review status: no assertion criteria provided. Collection method: clinical testing. Allele origin: germline. Affected: yes. Study: VKGL Data-share Consensus. Not counted in ClinVar's aggregate classification.

Clinical Genetics, Academic Medical Center
Classification: Benign. Review status: no assertion criteria provided. Collection method: clinical testing. Allele origin: germline. Affected: yes. Study: VKGL Data-share Consensus. Not counted in ClinVar's aggregate classification.

Diagnostic Laboratory, Department of Genetics, University Medical Center Groningen
Classification: Likely benign. Review status: no assertion criteria provided. Collection method: clinical testing. Allele origin: germline. Affected: yes. Study: VKGL Data-share Consensus. Not counted in ClinVar's aggregate classification.

Genome Diagnostics Laboratory, University Medical Center Utrecht
Classification: Likely benign. Review status: no assertion criteria provided. Collection method: clinical testing. Allele origin: germline. Affected: yes. Study: VKGL Data-share Consensus. Not counted in ClinVar's aggregate classification.

Joint Genome Diagnostic Labs from Nijmegen and Maastricht, Radboudumc and MUMC+
Classification: Benign. Review status: no assertion criteria provided. Collection method: clinical testing. Allele origin: germline. Affected: yes. Study: VKGL Data-share Consensus. Not counted in ClinVar's aggregate classification.

Laboratory of Diagnostic Genome Analysis, Leiden University Medical Center (LUMC)
Classification: Likely benign. Review status: no assertion criteria provided. Collection method: clinical testing. Allele origin: germline. Affected: yes. Study: VKGL Data-share Consensus. Not counted in ClinVar's aggregate classification.